The following is an entry in ClinVar:

NM_031844.3(HNRNPU):c.165C>T (p.Pro55=)

Gene: HNRNPU (heterogeneous nuclear ribonucleoprotein U; minus strand). Cytogenetic location: 1q44.
Variant type: single nucleotide variant.
Coding change: c.165C>T on transcript NM_031844.3 (MANE Select); coding-DNA position 165, C replaced by T.
Protein change: p.Pro55=; no amino-acid change (proline 55 retained).
Molecular consequence: synonymous variant.
Genome position (GRCh38, 1-based): chr1:244,864,143, G>A on the plus strand (C>T on the coding strand, the complement: HNRNPU is on the minus strand). VCF-style: chr1-244864143-G-A. GRCh37 (hg19) VCF-style: chr1-245027445-G-A.
Other names: c.165C>T, p.Pro55= (NM_004501.3).
Identifiers: ClinVar variation 1628040 (VCV001628040.16), dbSNP rs749296514, ClinGen allele CA1486857.

ClinVar aggregate classification (germline): Likely benign. Review status: criteria provided, multiple submitters, no conflicts (2 of 4 stars). 2 submissions from 2 submitters: Likely benign (2). Last evaluated 2025-07-01.

Conditions:
Developmental and epileptic encephalopathy, 54. Also called: HNRNPU-Related Neurodevelopmental Disorder; Epileptic encephalopathy, early infantile, 54. Identifiers: MedGen C4479319, MONDO:0033363, OMIM 617391.

Allele frequency attached by ClinVar (database versions not stated): gnomAD 0.00001; gnomAD exomes 0.00002; ExAC 0.00005.
gnomAD v4.1: 11 of 1,603,562 alleles (0.00069%); highest among the groups gnomAD compares: South Asian, 0.011%; no homozygotes.

Submissions (2):

CeGaT Center for Human Genetics Tuebingen
Classification: Likely benign. Last evaluated: 2025-07-01. Review status: criteria provided, single submitter. Criteria: CeGaT Center For Human Genetics Tuebingen Variant Classification Criteria Version 2. Collection method: clinical testing. Allele origin: germline. Affected: yes. Observed: 1 variant allele.
Comment: HNRNPU: BP4, BP7

Labcorp Genetics (formerly Invitae), Labcorp
Classification: Likely benign for Developmental and epileptic encephalopathy, 54. Last evaluated: 2022-08-22. Review status: criteria provided, single submitter. Criteria: Invitae Variant Classification Sherloc (09022015). Collection method: clinical testing. Allele origin: germline.